The following is an entry in ClinVar:

NM_020433.5(JPH2):c.795C>G (p.Ser265Arg)

Gene: JPH2 (junctophilin 2; minus strand). Cytogenetic location: 20q13.12.
Variant type: single nucleotide variant.
Coding change: c.795C>G on transcript NM_020433.5 (MANE Select); coding-DNA position 795, C replaced by G.
Protein change: p.Ser265Arg; replaces serine 265 with arginine.
Molecular consequence: missense variant.
Genome position (GRCh38, 1-based): chr20:44,159,992, G>C on the plus strand (C>G on the coding strand, the complement: JPH2 is on the minus strand). VCF-style: chr20-44159992-G-C. GRCh37 (hg19) VCF-style: chr20-42788632-G-C.
Other names: short protein forms S265R.
Identifiers: ClinVar variation 524971 (VCV000524971.8), dbSNP rs1555858729, ClinGen allele CA409093653.

ClinVar aggregate classification (germline): Uncertain significance (1 of 4 stars; one submission).

Conditions:
Hypertrophic cardiomyopathy. Also called: HYPERTROPHIC MYOCARDIOPATHY. Identifiers: Orphanet 217569, MedGen C0007194, MeSH D002312, MONDO:0005045, HP:0001639.

Submission:

Labcorp Genetics (formerly Invitae), Labcorp
Classification: Uncertain significance for Hypertrophic cardiomyopathy. Last evaluated: 2017-10-11. Review status: criteria provided, single submitter. Criteria: Invitae Variant Classification Sherloc (09022015). Collection method: clinical testing. Allele origin: germline.
Comment: This sequence change replaces serine with arginine at codon 265 of the JPH2 protein (p.Ser265Arg). The serine residue is moderately conserved and there is a moderate physicochemical difference between serine and arginine. This variant is not present in population databases (ExAC no frequency). This variant has not been reported in the literature in individuals with JPH2-related disease. Algorithms developed to predict the effect of missense changes on protein structure and function do not agree on the potential impact of this missense change (SIFT: "Tolerated"; PolyPhen-2: "Probably Damaging"; Align-GVGD: "Class C0"). In summary, the available evidence is currently insufficient to determine the role of this variant in disease. Therefore, it has been classified as a Variant of Uncertain Significance.